The following is an entry in ClinVar:

ClinVar aggregate classification (germline): Conflicting classifications of pathogenicity. Review status: criteria provided, conflicting classifications (1 of 4 stars). 3 submissions from 3 submitters: Uncertain significance (1); Likely benign (2). Last evaluated 2026-06-01.

Submissions (3):

CeGaT Center for Human Genetics Tuebingen
Classification: Likely benign. Last evaluated: 2026-06-01. Review status: criteria provided, single submitter. Criteria: CeGaT Center For Human Genetics Tuebingen Variant Classification Criteria Version 2. Collection method: clinical testing. Allele origin: germline. Affected: yes. Observed: 9 variant alleles.
Comment: SETD1A: BS1

Blueprint Genetics
Classification: Likely benign. Last evaluated: 2024-11-21. Review status: criteria provided, single submitter. Criteria: ACMG Guidelines, 2015. Collection method: clinical testing. Allele origin: germline.

GeneDx
Classification: Uncertain significance. Last evaluated: 2024-08-20. Review status: criteria provided, single submitter. Criteria: GeneDx Variant Classification Process June 2021. Collection method: clinical testing. Allele origin: germline. Affected: yes.
Comment: In-frame deletion of 1 amino acid in a non-repeat region; In silico analysis supports a deleterious effect on protein structure/function; Has not been previously published as pathogenic or benign to our knowledge

NM_014712.3(SETD1A):c.4128_4130del (p.Ser1377del)

Gene: SETD1A (SET domain containing 1A, histone lysine methyltransferase; plus strand). Cytogenetic location: 16p11.2.
Variant type: Deletion.
Coding change: c.4128_4130del on transcript NM_014712.3 (MANE Select); coding-DNA positions 4128 to 4130, 3 bases deleted (CTC; older notation c.4128_4130delCTC).
Protein change: p.Ser1377del; deletes serine 1377.
Molecular consequence: inframe deletion.
Genome position (GRCh38, 1-based): chr16:30,979,914-30,979,916, CTC deleted; deleting any 3 consecutive bases within chr16:30,979,912-30,979,916 gives the same sequence; the c. name uses the placement nearest the transcript's 3' end. VCF-style (leftmost placement, unchanged base first): chr16-30979911-GTCC-G. GRCh37 (hg19) VCF-style: chr16-30991232-GTCC-G.
Other names: c.4128_4130del (NM_014712.1); short protein forms S1377del.
Identifiers: ClinVar variation 2646452 (VCV002646452.26), dbSNP rs766697775, ClinGen allele CA8017457.